The following is an entry in ClinVar:

ClinVar aggregate classification (germline): Uncertain significance (1 of 4 stars; one submission).

Conditions:
Ataxia-telangiectasia syndrome (AT). Also called: Cerebello-oculocutaneous telangiectasia; Immunodeficiency with ataxia telangiectasia; Ataxia-telangiectasia; AT, COMPLEMENTATION GROUP C; Ataxia telangiectasia (A-T); LOUIS-BAR SYNDROME. Identifiers: Orphanet 100, MedGen C0004135, MONDO:0008840, OMIM 208900.

Submission:

Labcorp Genetics (formerly Invitae), Labcorp
Classification: Uncertain significance for Ataxia-telangiectasia syndrome. Last evaluated: 2022-09-11. Review status: criteria provided, single submitter. Criteria: Invitae Variant Classification Sherloc (09022015). Collection method: clinical testing. Allele origin: germline.
Comment: This variant results in a copy number gain of the genomic region encompassing exon(s) 6-63 of the ATM gene. This region includes the termination codon of the gene. This copy number gain extends beyond the assayed region for this gene and therefore may encompass additional genes. As the precise location of this event is unknown, it may be in tandem or it may be located elsewhere in the genome. This variant has not been reported in the literature in individuals affected with ATM-related conditions. Experimental studies and prediction algorithms are not available or were not evaluated, and the functional significance of this variant is currently unknown. In summary, the available evidence is currently insufficient to determine the role of this variant in disease. Therefore, it has been classified as a Variant of Uncertain Significance.

NC_000011.9:g.(?_108114670)_(108236235_?)dup

Gene: ATM (ATM serine/threonine kinase; plus strand). Cytogenetic location: 11q22.3.
Variant type: Duplication.
Identifiers: ClinVar variation 2422226 (VCV002422226.3).